The following is an entry in ClinVar:

ClinVar aggregate classification (germline): Uncertain significance (1 of 4 stars; one submission).

Conditions:
Inborn genetic diseases. Identifiers: MedGen C0950123, MeSH D030342.

Submission:

Ambry Genetics
Classification: Uncertain significance for Inborn genetic diseases. Last evaluated: 2024-12-08. Review status: criteria provided, single submitter. Criteria: Ambry Variant Classification Scheme 2023. Collection method: clinical testing. Allele origin: germline.
Comment: The p.M88K variant (also known as c.263T>A), located in coding exon 1 of the SAMD9 gene, results from a T to A substitution at nucleotide position 263. The methionine at codon 88 is replaced by lysine, an amino acid with similar properties. This amino acid position is conserved. In addition, this alteration is predicted to be tolerated by in silico analysis. Based on the available evidence, the clinical significance of this variant remains unclear.

NM_017654.4(SAMD9):c.263T>A (p.Met88Lys)

Gene: SAMD9 (sterile alpha motif domain containing 9; minus strand). Cytogenetic location: 7q21.2.
Variant type: single nucleotide variant.
Coding change: c.263T>A on transcript NM_017654.4 (MANE Select); coding-DNA position 263, T replaced by A.
Protein change: p.Met88Lys; replaces methionine 88 with lysine.
Molecular consequence: missense variant.
Genome position (GRCh38, 1-based): chr7:93,105,835, A>T on the plus strand (T>A on the coding strand, the complement: SAMD9 is on the minus strand). VCF-style: chr7-93105835-A-T. GRCh37 (hg19) VCF-style: chr7-92735148-A-T.
Other names: c.263T>A, p.Met88Lys (NM_001193307.2); short protein forms M88K.
Identifiers: ClinVar variation 3437095 (VCV003437095.1).